The following is an entry in ClinVar:

NM_003034.4(ST8SIA1):c.236+8131C>T

Gene: ST8SIA1 (ST8 alpha-N-acetyl-neuraminide alpha-2,8-sialyltransferase 1; minus strand). Cytogenetic location: 12p12.1.
Variant type: single nucleotide variant.
Coding change: c.236+8131C>T on transcript NM_003034.4 (MANE Select); 8131 bases into the intron after coding-DNA position 236, C replaced by T.
Molecular consequence: intron variant.
Genome position (GRCh38, 1-based): chr12:22,325,866, G>A on the plus strand (C>T on the coding strand, the complement: ST8SIA1 is on the minus strand). VCF-style: chr12-22325866-G-A. GRCh37 (hg19) VCF-style: chr12-22478800-G-A.
Other names: c.-84+8131C>T (NM_001304450.2).
Identifiers: ClinVar variation 2642783 (VCV002642783.24), dbSNP rs957576194, ClinGen allele CA234130736.
Genomic context (GRCh38, chr12:22,325,866, plus strand): 5'-TCAGTCTTGCATTTTGGGGCCACTGGTAAAATAAAATCGGTGTTCCTTGAACACAAGCAC[G>A]GTGATCCCACCACCAAGATGGATATTAAGTGACTCATGGGCAGCAAGTGTCAACAGTGTG-3'

ClinVar aggregate classification (germline): Likely benign (1 of 4 stars; one submission).

Allele frequency attached by ClinVar (database versions not stated): gnomAD 0.00005; gnomAD exomes 0.00008; TOPMed 0.00008.
gnomAD v4.1: 52 of 701,656 alleles (0.0074%); highest among the groups gnomAD compares: Admixed American, 0.064%; no homozygotes.

Submission:

CeGaT Center for Human Genetics Tuebingen
Classification: Likely benign. Last evaluated: 2022-09-01. Review status: criteria provided, single submitter. Criteria: CeGaT Center For Human Genetics Tuebingen Variant Classification Criteria Version 2. Collection method: clinical testing. Allele origin: germline. Affected: yes. Observed: 1 variant allele.
Comment: ST8SIA1: BP4, BP7